The following is an entry in ClinVar:

ClinVar aggregate classification (germline): Pathogenic (1 of 4 stars; one submission).

Conditions:
Primary ciliary dyskinesia. Also called: Ciliary dyskinesia. Identifiers: Orphanet 244, MedGen C0008780, MONDO:0016575, HP:0012265.

Submission:

Labcorp Genetics (formerly Invitae), Labcorp
Classification: Pathogenic for Primary ciliary dyskinesia. Last evaluated: 2024-12-31. Review status: criteria provided, single submitter. Criteria: Invitae Variant Classification Sherloc (09022015). Collection method: clinical testing. Allele origin: germline.
Comment: This sequence change creates a premature translational stop signal (p.Ser68*) in the CCNO gene. It is expected to result in an absent or disrupted protein product. Loss-of-function variants in CCNO are known to be pathogenic (PMID: 24747639). This variant is not present in population databases (gnomAD no frequency). This variant has not been reported in the literature in individuals affected with CCNO-related conditions. For these reasons, this variant has been classified as Pathogenic.

Literature cited by the submitters: PubMed 24747639.

NM_021147.5(CCNO):c.203C>A (p.Ser68Ter)

Gene: CCNO (cyclin O; minus strand). Cytogenetic location: 5q11.2.
Variant type: single nucleotide variant.
Coding change: c.203C>A on transcript NM_021147.5 (MANE Select); coding-DNA position 203, C replaced by A.
Protein change: p.Ser68Ter; replaces serine 68 with a stop codon.
Molecular consequence: nonsense. On other transcripts: non-coding transcript variant (2).
Genome position (GRCh38, 1-based): chr5:55,233,321, G>T on the plus strand (C>A on the coding strand, the complement: CCNO is on the minus strand). VCF-style: chr5-55233321-G-T. GRCh37 (hg19) VCF-style: chr5-54529149-G-T.
Other names: short protein forms S68*.
Identifiers: ClinVar variation 3727869 (VCV003727869.2).
Genomic context (GRCh38, chr5:55,233,321, plus strand): 5'-TGGGCCGGGCCGGGCAGGGGGCTACCACCCCGCGCCGCAGAGGGGCTCTCTGCGCCGTCT[G>T]AGCCGGAGCTGGGGGACTCGAACAGGTCGCAAATGCCGGAGTCTCCCGGGAGCGGGCACG-3'